The following is an entry in ClinVar:

NM_017565.4(FAM20A):c.193G>A (p.Gly65Ser)

Gene: FAM20A (FAM20A golgi associated secretory pathway pseudokinase; minus strand). Cytogenetic location: 17q24.2.
Variant type: single nucleotide variant.
Coding change: c.193G>A on transcript NM_017565.4 (MANE Select); coding-DNA position 193, G replaced by A.
Protein change: p.Gly65Ser; replaces glycine 65 with serine.
Molecular consequence: missense variant. On other transcripts: 5 prime UTR variant (1).
Genome position (GRCh38, 1-based): chr17:68,600,474, C>T on the plus strand (G>A on the coding strand, the complement: FAM20A is on the minus strand). VCF-style: chr17-68600474-C-T. GRCh37 (hg19) VCF-style: chr17-66596615-C-T.
Other names: c.-448G>A (NM_001243746.2); short protein forms G65S.
Identifiers: ClinVar variation 1699678 (VCV001699678.8), dbSNP rs143371801, ClinGen allele CA8730161.

ClinVar aggregate classification (germline): Conflicting classifications of pathogenicity. Review status: criteria provided, conflicting classifications (1 of 4 stars). 2 submissions from 2 submitters: Uncertain significance (1); Likely benign (1). Last evaluated 2025-12-30.

Allele frequency attached by ClinVar (database versions not stated): gnomAD 0.00094 and 0.00090; 1000 Genomes Project 0.00160; gnomAD exomes 0.00023; ExAC 0.00047; ESP Exome Variant Server 0.00054; TOPMed 0.00091; 1000 Genomes Project 30x 0.00156.
gnomAD v4.1: 242 of 1,605,774 alleles (0.015%); highest among the groups gnomAD compares: African/African-American, 0.28%; 2 homozygotes.

Submissions (2):

Labcorp Genetics (formerly Invitae), Labcorp
Classification: Likely benign. Last evaluated: 2025-12-30. Review status: criteria provided, single submitter. Criteria: Invitae Variant Classification Sherloc (09022015). Collection method: clinical testing. Allele origin: germline.

GeneDx
Classification: Uncertain significance. Last evaluated: 2024-06-12. Review status: criteria provided, single submitter. Criteria: GeneDx Variant Classification Process June 2021. Collection method: clinical testing. Allele origin: germline.
Comment: In silico analysis indicates that this missense variant does not alter protein structure/function; Has not been previously published as pathogenic or benign to our knowledge